The following is an entry in ClinVar:

NM_198576.4(AGRN):c.3014C>T (p.Pro1005Leu)

Gene: AGRN (agrin; plus strand). Cytogenetic location: 1p36.33.
Variant type: single nucleotide variant.
Coding change: c.3014C>T on transcript NM_198576.4 (MANE Select); coding-DNA position 3014, C replaced by T.
Protein change: p.Pro1005Leu; replaces proline 1005 with leucine.
Molecular consequence: missense variant.
Genome position (GRCh38, 1-based): chr1:1,046,499, C>T. VCF-style: chr1-1046499-C-T. GRCh37 (hg19) VCF-style: chr1-981879-C-T.
Other names: c.3014C>T, p.Pro1005Leu (NM_001305275.2); c.2699C>T, p.Pro900Leu (NM_001364727.2); c.3014C>T (NM_198576.3); short protein forms P1005L, P900L.
Identifiers: ClinVar variation 1924340 (VCV001924340.4), dbSNP rs371873824, ClinGen allele CA508918.

ClinVar aggregate classification (germline): Uncertain significance. Review status: criteria provided, multiple submitters, no conflicts (2 of 4 stars). 2 submissions from 2 submitters: Uncertain significance (2). Last evaluated 2025-06-16.

Conditions:
Inborn genetic diseases. Identifiers: MedGen C0950123, MeSH D030342.
Congenital myasthenic syndrome 8. Also called: Myasthenic syndrome, congenital, 8, with pre- and postsynaptic defects; MYASTHENIC SYNDROME, CONGENITAL, DUE TO AGRIN DEFICIENCY. Identifiers: Orphanet 590, MedGen C3808739, MONDO:0014052, OMIM 615120.

Allele frequency attached by ClinVar (database versions not stated): ExAC 0.00002; gnomAD 0.00007; ESP Exome Variant Server 0.00008; TOPMed 0.00008.
gnomAD v4.1: 18 of 1,610,668 alleles (0.0011%); highest among the groups gnomAD compares: African/African-American, 0.023%; no homozygotes.

Submissions (2):

Ambry Genetics
Classification: Uncertain significance for Inborn genetic diseases. Last evaluated: 2025-06-16. Review status: criteria provided, single submitter. Criteria: Ambry Variant Classification Scheme 2023. Collection method: clinical testing. Allele origin: germline.

Labcorp Genetics (formerly Invitae), Labcorp
Classification: Uncertain significance for Congenital myasthenic syndrome 8. Last evaluated: 2022-08-09. Review status: criteria provided, single submitter. Criteria: Invitae Variant Classification Sherloc (09022015). Collection method: clinical testing. Allele origin: germline.
Comment: This sequence change replaces proline, which is neutral and non-polar, with leucine, which is neutral and non-polar, at codon 1005 of the AGRN protein (p.Pro1005Leu). In summary, the available evidence is currently insufficient to determine the role of this variant in disease. Therefore, it has been classified as a Variant of Uncertain Significance. Algorithms developed to predict the effect of missense changes on protein structure and function are either unavailable or do not agree on the potential impact of this missense change (SIFT: "Tolerated"; PolyPhen-2: "Possibly Damaging"; Align-GVGD: "Class C0"). This variant has not been reported in the literature in individuals affected with AGRN-related conditions. This variant is present in population databases (rs371873824, gnomAD 0.03%).